The following is an entry in ClinVar:

ClinVar aggregate classification (germline): Likely benign. Review status: criteria provided, multiple submitters, no conflicts (2 of 4 stars). 7 submissions from 7 submitters: Likely benign (7). Last evaluated 2026-01-28.

Conditions:
Glutathione synthetase deficiency with 5-oxoprolinuria. Also called: Gluthathione synthetase deficiency; PYROGLUTAMIC ACIDURIA; Reduced glutathione synthetase level; 5-OXOPROLINURIA DUE TO GLUTATHIONE SYNTHETASE DEFICIENCY; 5-Oxoprolinuria. Identifiers: Orphanet 289846, MedGen C0398746, MONDO:0009947, OMIM 266130, HP:0003343.
Inborn genetic diseases. Identifiers: MedGen C0950123, MeSH D030342.

Allele frequency attached by ClinVar (database versions not stated): gnomAD exomes 0.00005 and 0.00010; ExAC 0.00009; ESP Exome Variant Server 0.00031; gnomAD 0.00033 and 0.00036; TOPMed 0.00046; 1000 Genomes Project 0.00060; 1000 Genomes Project 30x 0.00078.

Submissions (7):

Labcorp Genetics (formerly Invitae), Labcorp
Classification: Likely benign for Glutathione synthetase deficiency with 5-oxoprolinuria. Last evaluated: 2026-01-28. Review status: criteria provided, single submitter. Criteria: Invitae Variant Classification Sherloc (09022015). Collection method: clinical testing. Allele origin: germline.

Mayo Clinic Laboratories, Mayo Clinic
Classification: Likely benign. Last evaluated: 2025-07-23. Review status: criteria provided, single submitter. Criteria: ACMG Guidelines, 2015. Collection method: clinical testing. Allele origin: germline. Observed: 3 variant alleles.

ARUP Laboratories, Molecular Genetics and Genomics, ARUP Laboratories
Classification: Likely benign. Last evaluated: 2024-10-24. Review status: criteria provided, single submitter. Criteria: ARUP Molecular Germline Variant Investigation Process 2024. Collection method: clinical testing. Allele origin: germline.

Ambry Genetics
Classification: Likely benign for Inborn genetic diseases. Last evaluated: 2023-10-23. Review status: criteria provided, single submitter. Criteria: Ambry Variant Classification Scheme 2023. Collection method: clinical testing. Allele origin: germline.

Blueprint Genetics
Classification: Likely benign. Last evaluated: 2023-08-17. Review status: criteria provided, single submitter. Criteria: ACMG Guidelines, 2015. Collection method: clinical testing. Allele origin: germline.

GeneDx
Classification: Likely benign. Last evaluated: 2016-02-03. Review status: criteria provided, single submitter. Criteria: GeneDx Variant Classification (06012015). Collection method: clinical testing. Allele origin: germline. Affected: yes.
Comment: This variant is considered likely benign or benign based on one or more of the following criteria: it is a conservative change, it occurs at a poorly conserved position in the protein, it is predicted to be benign by multiple in silico algorithms, and/or has population frequency not consistent with disease.

Breakthrough Genomics
Classification: Likely benign. Review status: criteria provided, single submitter. Criteria: ACMG Guidelines, 2015. Collection method: not provided. Allele origin: germline. Inheritance: Autosomal recessive inheritance. Affected: yes.

NM_000178.4(GSS):c.468C>T (p.Ala156=)

Gene: GSS (glutathione synthetase; minus strand). Cytogenetic location: 20q11.22.
Variant type: single nucleotide variant.
Coding change: c.468C>T on transcript NM_000178.4 (MANE Select); coding-DNA position 468, C replaced by T.
Protein change: p.Ala156=; no amino-acid change (alanine 156 retained).
Molecular consequence: synonymous variant.
Genome position (GRCh38, 1-based): chr20:34,942,511, G>A on the plus strand (C>T on the coding strand, the complement: GSS is on the minus strand). VCF-style: chr20-34942511-G-A. GRCh37 (hg19) VCF-style: chr20-33530314-G-A.
Other names: p.Ala156=; c.468C>T, p.Ala156= (NM_001322494.1, NM_001322495.1, LRG_1168t1).
Identifiers: ClinVar variation 382364 (VCV000382364.18), dbSNP rs79420079, ClinGen allele CA9826073.